The following is an entry in ClinVar:

ClinVar aggregate classification (germline): Uncertain significance (1 of 4 stars; one submission).

Conditions:
Hereditary cancer-predisposing syndrome. Also called: Tumor predisposition; Neoplastic Syndromes, Hereditary; Hereditary Cancer Syndrome; Hereditary neoplastic syndrome. Identifiers: Orphanet 140162, MedGen C0027672, MeSH D009386, MONDO:0015356.

Submission:

Ambry Genetics
Classification: Uncertain significance for Hereditary cancer-predisposing syndrome. Last evaluated: 2024-12-16. Review status: criteria provided, single submitter. Criteria: Ambry Variant Classification Scheme 2023. Collection method: clinical testing. Allele origin: germline.
Comment: The p.L2317F variant (also known as c.6951A>C), located in coding exon 15 of the APC gene, results from an A to C substitution at nucleotide position 6951. The leucine at codon 2317 is replaced by phenylalanine, an amino acid with highly similar properties. This amino acid position is conserved. In addition, in silico predictors for this gene do not accurately predict pathogenicity. Based on the available evidence, the clinical significance of this variant remains unclear.

NM_000038.6(APC):c.6951A>C (p.Leu2317Phe)

Gene: APC (APC regulator of Wnt signaling pathway; plus strand). Cytogenetic location: 5q22.2.
Variant type: single nucleotide variant.
Coding change: c.6951A>C on transcript NM_000038.6 (MANE Select); coding-DNA position 6951, A replaced by C.
Protein change: p.Leu2317Phe; replaces leucine 2317 with phenylalanine.
Molecular consequence: missense variant. On other transcripts: non-coding transcript variant (2).
Genome position (GRCh38, 1-based): chr5:112,842,545, A>C. VCF-style: chr5-112842545-A-C. GRCh37 (hg19) VCF-style: chr5-112178242-A-C.
Other names: c.6951A>C, p.Leu2317Phe (NM_001127510.3, NM_001354895.2, NM_001407450.1); c.6897A>C, p.Leu2299Phe (NM_001127511.3); c.7005A>C, p.Leu2335Phe (NM_001354896.2, NM_001407447.1, NM_001407448.1 and 1 more transcripts); c.6981A>C, p.Leu2327Phe (NM_001354897.2); c.6876A>C, p.Leu2292Phe (NM_001354898.2); c.6867A>C, p.Leu2289Phe (NM_001354899.2); c.6828A>C, p.Leu2276Phe (NM_001354900.2); c.6774A>C, p.Leu2258Phe (NM_001354901.2, NM_001407453.1); and 11 more; short protein forms L2034F, L2157F, L2191F, L2335F, L2216F, L2226F, L2292F, L2310F.
Identifiers: ClinVar variation 3881280 (VCV003881280.1).